The following is an entry in ClinVar:

ClinVar aggregate classification (germline): Uncertain significance (1 of 4 stars; one submission).

Conditions:
Progressive microcephaly-seizures-cortical blindness-developmental delay syndrome. Also called: Seizures, cortical blindness, and microcephaly syndrome. Identifiers: Orphanet 477814, MedGen C5567650, MONDO:0014714, OMIM 616632.
Autosomal dominant nonsyndromic hearing loss 1. Also called: KONIGSMARK SYNDROME; DEAFNESS, AUTOSOMAL DOMINANT 1, WITH OR WITHOUT THROMBOCYTOPENIA. Identifiers: Orphanet 90635, MedGen C1852282, MONDO:0007424, OMIM 124900.

gnomAD v4.1: 3 of 1,614,042 alleles (0.00019%); highest among the groups gnomAD compares: Non-Finnish European, 0.00025%; no homozygotes.

Submission:

Labcorp Genetics (formerly Invitae), Labcorp
Classification: Uncertain significance for Progressive microcephaly-seizures-cortical blindness-developmental delay syndrome; Autosomal dominant nonsyndromic hearing loss 1. Last evaluated: 2024-12-16. Review status: criteria provided, single submitter. Criteria: Invitae Variant Classification Sherloc (09022015). Collection method: clinical testing. Allele origin: germline.
Comment: This sequence change replaces glutamine, which is neutral and polar, with histidine, which is basic and polar, at codon 1185 of the DIAPH1 protein (p.Gln1185His). This variant is present in population databases (rs771710298, gnomAD 0.002%). This variant has not been reported in the literature in individuals affected with DIAPH1-related conditions. ClinVar contains an entry for this variant (Variation ID: 2947159). An algorithm developed to predict the effect of missense changes on protein structure and function (PolyPhen-2) suggests that this variant is likely to be disruptive. In summary, the available evidence is currently insufficient to determine the role of this variant in disease. Therefore, it has been classified as a Variant of Uncertain Significance.

NM_005219.5(DIAPH1):c.3555A>C (p.Gln1185His)

Gene: DIAPH1 (diaphanous related formin 1; minus strand). Cytogenetic location: 5q31.3.
Variant type: single nucleotide variant.
Coding change: c.3555A>C on transcript NM_005219.5 (MANE Select); coding-DNA position 3555, A replaced by C.
Protein change: p.Gln1185His; replaces glutamine 1185 with histidine.
Molecular consequence: missense variant.
Genome position (GRCh38, 1-based): chr5:141,526,057, T>G on the plus strand (A>C on the coding strand, the complement: DIAPH1 is on the minus strand). VCF-style: chr5-141526057-T-G. GRCh37 (hg19) VCF-style: chr5-140905624-T-G.
Other names: c.3528A>C, p.Gln1176His (NM_001079812.3); c.3555A>C, p.Gln1185His (NM_001314007.2); short protein forms Q1176H, Q1185H.
Identifiers: ClinVar variation 2947159 (VCV002947159.3), dbSNP rs771710298, ClinGen allele CA3478760.